The following is an entry in ClinVar:

NM_000179.3(MSH6):c.1556A>C (p.Lys519Thr)

Gene: MSH6 (mutS homolog 6; plus strand). Cytogenetic location: 2p16.3.
Variant type: single nucleotide variant.
Coding change: c.1556A>C on transcript NM_000179.3 (MANE Select); coding-DNA position 1556, A replaced by C.
Protein change: p.Lys519Thr; replaces lysine 519 with threonine.
Molecular consequence: missense variant.
Genome position (GRCh38, 1-based): chr2:47,799,539, A>C. VCF-style: chr2-47799539-A-C. GRCh37 (hg19) VCF-style: chr2-48026678-A-C.
Other names: c.1166A>C, p.Lys389Thr (NM_001281492.2); c.650A>C, p.Lys217Thr (NM_001281493.2, NM_001281494.2); short protein forms K217T, K389T, K519T.
Identifiers: ClinVar variation 1386128 (VCV001386128.8), dbSNP rs1285168531, ClinGen allele CA346746692.

ClinVar aggregate classification (germline): Uncertain significance (1 of 4 stars; one submission).

Conditions:
Hereditary nonpolyposis colorectal neoplasms. Identifiers: MedGen C0009405, MeSH D003123.

Submission:

Labcorp Genetics (formerly Invitae), Labcorp
Classification: Uncertain significance for Hereditary nonpolyposis colorectal neoplasms. Last evaluated: 2021-06-02. Review status: criteria provided, single submitter. Criteria: Invitae Variant Classification Sherloc (09022015). Collection method: clinical testing. Allele origin: germline.
Comment: This sequence change replaces lysine with threonine at codon 519 of the MSH6 protein (p.Lys519Thr). The lysine residue is highly conserved and there is a moderate physicochemical difference between lysine and threonine. This variant is not present in population databases (ExAC no frequency). This variant has not been reported in the literature in individuals with MSH6-related conditions. Advanced modeling of protein sequence and biophysical properties (such as structural, functional, and spatial information, amino acid conservation, physicochemical variation, residue mobility, and thermodynamic stability) performed at Invitae indicates that this missense variant is expected to disrupt MSH6 protein function. In summary, the available evidence is currently insufficient to determine the role of this variant in disease. Therefore, it has been classified as a Variant of Uncertain Significance.